The following is an entry in ClinVar:

ClinVar aggregate classification (germline): Uncertain significance. Review status: criteria provided, multiple submitters, no conflicts (2 of 4 stars). 2 submissions from 2 submitters: Uncertain significance (2). Last evaluated 2022-03-14.

Conditions:
Peroxisome biogenesis disorder. Identifiers: Orphanet 79189, MedGen C1832200, MONDO:0019234. Disease mechanism: loss of function.

Allele frequency attached by ClinVar (database versions not stated): gnomAD exomes 0.00001.
gnomAD v4.1: 10 of 1,613,894 alleles (0.00062%); highest among the groups gnomAD compares: Non-Finnish European, 0.00085%; no homozygotes.

Submissions (2):

Labcorp Genetics (formerly Invitae), Labcorp
Classification: Uncertain significance for Peroxisome biogenesis disorder. Last evaluated: 2022-03-14. Review status: criteria provided, single submitter. Criteria: Invitae Variant Classification Sherloc (09022015). Collection method: clinical testing. Allele origin: germline.
Comment: This sequence change replaces histidine, which is basic and polar, with tyrosine, which is neutral and polar, at codon 330 of the PEX6 protein (p.His330Tyr). This variant is not present in population databases (gnomAD no frequency). This variant has not been reported in the literature in individuals affected with PEX6-related conditions. ClinVar contains an entry for this variant (Variation ID: 597586). Algorithms developed to predict the effect of missense changes on protein structure and function output the following: SIFT: "Tolerated"; PolyPhen-2: "Benign"; Align-GVGD: "Class C0". The tyrosine amino acid residue is found in multiple mammalian species, which suggests that this missense change does not adversely affect protein function. In summary, the available evidence is currently insufficient to determine the role of this variant in disease. Therefore, it has been classified as a Variant of Uncertain Significance.

Eurofins Ntd Llc (ga)
Classification: Uncertain significance. Last evaluated: 2018-06-12. Review status: criteria provided, single submitter. Criteria: EGL ClinVar v180209 classification definitions. Collection method: clinical testing. Allele origin: germline. Observed: 1 variant allele, 1 heterozygote.

NM_000287.4(PEX6):c.988C>T (p.His330Tyr)

Gene: PEX6 (peroxisomal biogenesis factor 6; minus strand). Cytogenetic location: 6p21.1.
Variant type: single nucleotide variant.
Coding change: c.988C>T on transcript NM_000287.4 (MANE Select); coding-DNA position 988, C replaced by T.
Protein change: p.His330Tyr; replaces histidine 330 with tyrosine.
Molecular consequence: missense variant. On other transcripts: non-coding transcript variant (1).
Genome position (GRCh38, 1-based): chr6:42,974,933, G>A on the plus strand (C>T on the coding strand, the complement: PEX6 is on the minus strand). VCF-style: chr6-42974933-G-A. GRCh37 (hg19) VCF-style: chr6-42942671-G-A.
Other names: c.724C>T, p.His242Tyr (NM_001316313.2); short protein forms H330Y, H242Y.
Identifiers: ClinVar variation 597586 (VCV000597586.7), dbSNP rs1561827871, ClinGen allele CA364159711.